The following is an entry in ClinVar:

NM_014112.5(TRPS1):c.2700+1G>A

Gene: TRPS1 (transcriptional repressor GATA binding 1; minus strand). Cytogenetic location: 8q23.3.
Variant type: single nucleotide variant.
Coding change: c.2700+1G>A on transcript NM_014112.5 (MANE Select); the canonical splice donor site of the intron after coding-DNA position 2700, G replaced by A.
Molecular consequence: splice donor variant.
Genome position (GRCh38, 1-based): chr8:115,587,000, C>T on the plus strand (G>A on the coding strand, the complement: TRPS1 is on the minus strand). VCF-style: chr8-115587000-C-T. GRCh37 (hg19) VCF-style: chr8-116599227-C-T.
Other names: c.2673+1G>A (NM_001282902.3); c.2661+1G>A (NM_001330599.2); c.2679+1G>A (NM_001282903.3).
Identifiers: ClinVar variation 649585 (VCV000649585.9), dbSNP rs1586430684, ClinGen allele CA372064570.

ClinVar aggregate classification (germline): Pathogenic (1 of 4 stars; one submission).

Conditions:
Trichorhinophalangeal syndrome, type III (TRPS3). Also called: SUGIO-KAJII SYNDROME. Identifiers: Orphanet 77258, MedGen C1860823, OMIM 190351, MONDO:0008597.
Trichorhinophalangeal dysplasia type I (TRPS1). Also called: TRPS I; TRICHORHINOPHALANGEAL SYNDROME, TYPE I. Identifiers: Orphanet 77258, MedGen C0432233, MONDO:0008596, OMIM 190350.

Submission:

Labcorp Genetics (formerly Invitae), Labcorp
Classification: Pathogenic for Trichorhinophalangeal syndrome, type III; Trichorhinophalangeal dysplasia type I. Last evaluated: 2018-11-01. Review status: criteria provided, single submitter. Criteria: Invitae Variant Classification Sherloc (09022015). Collection method: clinical testing. Allele origin: germline.
Comment: For these reasons, this variant has been classified as Pathogenic. Donor and acceptor splice site variants typically lead to a loss of protein function (PMID: 16199547), and loss-of-function variants in TRPS1 are known to be pathogenic (PMID: 11112658). Disruption of this splice site (c.2700+1delG) has been observed to be de novo in an individual with tricho-rhino-phalangeal syndrome type I (PMID: 23293878). This variant is not present in population databases (ExAC no frequency). This sequence change affects a donor splice site in intron 5 of the TRPS1 gene. It is expected to disrupt RNA splicing and likely results in an absent or disrupted protein product.

Literature cited by the submitters: PubMed 16199547; PubMed 11112658; PubMed 23293878.